The following is an entry in ClinVar:

NM_000041.4(APOE):c.866A>C (p.Asp289Ala)

Gene: APOE (apolipoprotein E; plus strand). Cytogenetic location: 19q13.32.
Variant type: single nucleotide variant.
Coding change: c.866A>C on transcript NM_000041.4 (MANE Select); coding-DNA position 866, A replaced by C.
Protein change: p.Asp289Ala; replaces aspartic acid 289 with alanine.
Molecular consequence: missense variant.
Genome position (GRCh38, 1-based): chr19:44,909,162, A>C. VCF-style: chr19-44909162-A-C. GRCh37 (hg19) VCF-style: chr19-45412419-A-C.
Other names: c.944A>C, p.Asp315Ala (NM_001302688.2); c.866A>C, p.Asp289Ala (NM_001302689.2, NM_001302690.2, NM_001302691.2); short protein forms D289A, D315A.
Identifiers: ClinVar variation 1706316 (VCV001706316.2), dbSNP rs1568618190, ClinGen allele CA406305685.

ClinVar aggregate classification (germline): Uncertain significance (1 of 4 stars; one submission).

Submission:

GeneDx
Classification: Uncertain significance. Last evaluated: 2022-03-15. Review status: criteria provided, single submitter. Criteria: GeneDx Variant Classification Process June 2021. Collection method: clinical testing. Allele origin: germline. Affected: yes.
Comment: Not observed at significant frequency in large population cohorts (gnomAD); In silico analysis supports that this missense variant has a deleterious effect on protein structure/function; Has not been previously published as pathogenic or benign to our knowledge